The following is an entry in ClinVar:

NM_020774.4(MIB1):c.1078G>A (p.Glu360Lys)

Gene: MIB1 (MIB E3 ubiquitin protein ligase 1; plus strand). Cytogenetic location: 18q11.2.
Variant type: single nucleotide variant.
Coding change: c.1078G>A on transcript NM_020774.4 (MANE Select); coding-DNA position 1078, G replaced by A.
Protein change: p.Glu360Lys; replaces glutamic acid 360 with lysine.
Molecular consequence: missense variant.
Genome position (GRCh38, 1-based): chr18:21,791,543, G>A. VCF-style: chr18-21791543-G-A. GRCh37 (hg19) VCF-style: chr18-19371504-G-A.
Other names: short protein forms E360K.
Identifiers: ClinVar variation 4107584 (VCV004107584.1).

ClinVar aggregate classification (germline): Uncertain significance (1 of 4 stars; one submission).

Conditions:
Inborn genetic diseases. Identifiers: MedGen C0950123, MeSH D030342.

Submission:

Ambry Genetics
Classification: Uncertain significance for Inborn genetic diseases. Last evaluated: 2025-07-09. Review status: criteria provided, single submitter. Criteria: Ambry Variant Classification Scheme 2023. Collection method: clinical testing. Allele origin: germline.
Comment: The p.E360K variant (also known as c.1078G>A), located in coding exon 7 of the MIB1 gene, results from a G to A substitution at nucleotide position 1078. The glutamic acid at codon 360 is replaced by lysine, an amino acid with similar properties. This amino acid position is conserved. In addition, the in silico prediction for this alteration is inconclusive. Based on the available evidence, the clinical significance of this variant remains unclear.